The following is an entry in ClinVar:

ClinVar aggregate classification (germline): Uncertain significance (1 of 4 stars; one submission).

gnomAD v4.1: 2 of 1,614,130 alleles (0.00012%); highest among the groups gnomAD compares: Non-Finnish European, 0.00017%; no homozygotes.

Submission:

Women's Health and Genetics/Laboratory Corporation of America, LabCorp
Classification: Uncertain significance. Last evaluated: 2026-04-01. Review status: criteria provided, single submitter. Criteria: LabCorp Variant Classification Summary - May 2015. Collection method: clinical testing. Allele origin: germline.
Comment: Variant summary: MYH11 c.4868C>T (p.Ala1623Val) results in a non-conservative amino acid change located in the Myosin rod fragments of the encoded protein sequence. Algorithms developed to predict the effect of missense changes on protein structure and function are either unavailable or do not agree on the potential impact of this missense change. The variant allele was found at a frequency of 4e-06 in 251438 control chromosomes. The available data on variant occurrences in the general population are insufficient to allow any conclusion about variant significance. To our knowledge, no occurrence of c.4868C>T in individuals affected with MYH11-related conditions and no experimental evidence demonstrating its impact on protein function have been reported. ClinVar contains an entry for this variant (Variation ID: 3629688). Based on the evidence outlined above, the variant was classified as uncertain significance.

NM_002474.3(MYH11):c.4847C>T (p.Ala1616Val)

Genes: MYH11 (myosin heavy chain 11; minus strand), NDE1 (nudE neurodevelopment protein 1; plus strand). Cytogenetic location: 16p13.11.
Variant type: single nucleotide variant.
Coding change: c.4847C>T on transcript NM_002474.3 (MANE Select); coding-DNA position 4847, C replaced by T.
Protein change: p.Ala1616Val; replaces alanine 1616 with valine.
Molecular consequence: missense variant. On other transcripts: intron variant (2).
Genome position (GRCh38, 1-based): chr16:15,720,257, G>A on the plus strand (C>T on the coding strand, the complement: MYH11 is on the minus strand). VCF-style: chr16-15720257-G-A. GRCh37 (hg19) VCF-style: chr16-15814114-G-A.
Other names: c.4847C>T, p.Ala1616Val (NM_022844.3); c.948-3934G>A (NM_001143979.2, NM_017668.3); c.4868C>T, p.Ala1623Val (NM_001040113.2, NM_001040114.2); short protein forms A1616V, A1623V.
Identifiers: ClinVar variation 3629688 (VCV003629688.2).